The following is an entry in ClinVar:

NM_000489.6(ATRX):c.4216T>C (p.Ser1406Pro)

Gene: ATRX (ATRX chromatin remodeler; minus strand). Cytogenetic location: Xq21.1.
Variant type: single nucleotide variant.
Coding change: c.4216T>C on transcript NM_000489.6 (MANE Select); coding-DNA position 4216, T replaced by C.
Protein change: p.Ser1406Pro; replaces serine 1406 with proline.
Molecular consequence: missense variant.
Genome position (GRCh38, 1-based): chrX:77,654,199, A>G on the plus strand (T>C on the coding strand, the complement: ATRX is on the minus strand). VCF-style: chrX-77654199-A-G. GRCh37 (hg19) VCF-style: chrX-76909689-A-G.
Other names: c.4102T>C, p.Ser1368Pro (NM_138270.5); short protein forms S1368P, S1406P.
Identifiers: ClinVar variation 3383035 (VCV003383035.2).

ClinVar aggregate classification (germline): Uncertain significance (1 of 4 stars; one submission).

Conditions:
Intellectual disability-hypotonic facies syndrome, X-linked, 1 (MRXHF1). Also called: XLMR-HYPOTONIC FACIES SYNDROME; Smith Fineman Myers syndrome 1; HOLMES-GANG SYNDROME; CHUDLEY-LOWRY SYNDROME; Chudley syndrome 1; Chudley-Lowry-Hoar syndrome. Identifiers: Orphanet 73220, Orphanet 93970, Orphanet 93971, Orphanet 93972, Orphanet 93973, Orphanet 93974, Orphanet 93975, MedGen C4759781, MONDO:0010663, OMIM 309580.
Acquired hemoglobin H disease (ATMDS). Also called: Alpha-thalassemia myelodysplasia syndrome; Alpha-thalassemia myelodysplasia syndrome, somatic; Alpha-thalassemia-myelodysplastic syndrome. Identifiers: Orphanet 231401, MedGen C0585216, MONDO:0010328, OMIM 300448.
Alpha thalassemia-X-linked intellectual disability syndrome (ATRX). Also called: ALPHA-THALASSEMIA/MENTAL RETARDATION SYNDROME, X-LINKED; ATR, NONDELETION TYPE; ATR-X syndrome; Alpha thalassemia mental retardation syndrome, nondeletion type, X-linked; XLMR hypotonic face syndrome; X-linked alpha-thalassemia-mental retardation syndrome. Identifiers: Orphanet 847, MedGen C1845055, MONDO:0010519, OMIM 301040.

Submission:

Juno Genomics, Hangzhou Juno Genomics, Inc
Classification: Uncertain significance for Acquired hemoglobin H disease; Alpha thalassemia-X-linked intellectual disability syndrome; Intellectual disability-hypotonic facies syndrome, X-linked, 1. Review status: criteria provided, single submitter. Criteria: ACMG Guidelines, 2015. Collection method: clinical testing. Allele origin: germline. Affected: yes.
Comment: Absent from controls (or at extremely low frequency if recessive) in Genome Aggregation Database, Exome Sequencing Project, 1000 Genomes Project, or Exome Aggregation Consortium.;Multiple lines of computational evidence support a deleterious effect on the gene or gene product (conservation, evolutionary, splicing impact, etc).;Missense variant in a gene that has a low rate of benign missense variation and where missense variants are a common mechanism of disease.;Patient's phenotype or family history is highly specific for a disease with a single genetic etiology.